The following is an entry in ClinVar:

ClinVar aggregate classification (germline): Uncertain significance (1 of 4 stars; one submission).

gnomAD v4.1: 4 of 1,613,636 alleles (0.00025%); highest among the groups gnomAD compares: Non-Finnish European, 0.00034%; no homozygotes.

Submission:

Labcorp Genetics (formerly Invitae), Labcorp
Classification: Uncertain significance. Last evaluated: 2024-04-13. Review status: criteria provided, single submitter. Criteria: Invitae Variant Classification Sherloc (09022015). Collection method: clinical testing. Allele origin: germline.
Comment: This sequence change replaces histidine, which is basic and polar, with glutamine, which is neutral and polar, at codon 329 of the IL23R protein (p.His329Gln). This variant is not present in population databases (gnomAD no frequency). This variant has not been reported in the literature in individuals affected with IL23R-related conditions. Algorithms developed to predict the effect of missense changes on protein structure and function output the following: SIFT: "Not Available"; PolyPhen-2: "Possibly Damaging"; Align-GVGD: "Not Available". The glutamine amino acid residue is found in multiple mammalian species, which suggests that this missense change does not adversely affect protein function. In summary, the available evidence is currently insufficient to determine the role of this variant in disease. Therefore, it has been classified as a Variant of Uncertain Significance.

NM_144701.3(IL23R):c.987T>A (p.His329Gln)

Gene: IL23R (interleukin 23 receptor; plus strand). Cytogenetic location: 1p31.3.
Variant type: single nucleotide variant.
Coding change: c.987T>A on transcript NM_144701.3 (MANE Select); coding-DNA position 987, T replaced by A.
Protein change: p.His329Gln; replaces histidine 329 with glutamine.
Molecular consequence: missense variant.
Genome position (GRCh38, 1-based): chr1:67,236,744, T>A. VCF-style: chr1-67236744-T-A. GRCh37 (hg19) VCF-style: chr1-67702427-T-A.
Other names: short protein forms H329Q.
Identifiers: ClinVar variation 3649784 (VCV003649784.2).